The following is an entry in ClinVar:

NM_025132.4(WDR19):c.3474A>G (p.Ile1158Met)

Gene: WDR19 (WD repeat domain 19; plus strand). Cytogenetic location: 4p14.
Variant type: single nucleotide variant.
Coding change: c.3474A>G on transcript NM_025132.4 (MANE Select); coding-DNA position 3474, A replaced by G.
Protein change: p.Ile1158Met; replaces isoleucine 1158 with methionine.
Molecular consequence: missense variant.
Genome position (GRCh38, 1-based): chr4:39,270,091, A>G. VCF-style: chr4-39270091-A-G. GRCh37 (hg19) VCF-style: chr4-39271711-A-G.
Other names: c.2994A>G, p.Ile998Met (NM_001317924.2); short protein forms I1158M, I998M.
Identifiers: ClinVar variation 934180 (VCV000934180.9), dbSNP rs760312911, ClinGen allele CA2892377.

ClinVar aggregate classification (germline): Uncertain significance. Review status: criteria provided, multiple submitters, no conflicts (2 of 4 stars). 3 submissions from 3 submitters: Uncertain significance (3). Last evaluated 2025-01-15.

Conditions:
Asphyxiating thoracic dystrophy 5 (SRTD5). Also called: SHORT-RIB THORACIC DYSPLASIA 5 WITH OR WITHOUT POLYDACTYLY; SHORT-RIB THORACIC DYSPLASIA 5 WITHOUT POLYDACTYLY. Identifiers: Orphanet 474, MedGen C3280598, MONDO:0013717, OMIM 614376.
Nephronophthisis 13 (NPHP13). Identifiers: Orphanet 655, MedGen C3280612, MONDO:0013718, OMIM 614377.
Cranioectodermal dysplasia 4 (CED4). Identifiers: Orphanet 1515, MedGen C3280616, MONDO:0013719, OMIM 614378.
Spermatogenic failure 72 (SPGF72). Identifiers: MedGen C5676980, MONDO:0030809, OMIM 619867.
Senior-Loken syndrome 8 (SLSN8). Identifiers: Orphanet 3156, MedGen C4225376, MONDO:0014579, OMIM 616307.

Allele frequency attached by ClinVar (database versions not stated): gnomAD 0.00003 and 0.00004; gnomAD exomes 0.00005 and 0.00006; TOPMed 0.00005; ExAC 0.00006.
gnomAD v4.1: 79 of 1,613,656 alleles (0.0049%); highest among the groups gnomAD compares: Middle Eastern, 0.049%; no homozygotes.

Submissions (3):

Labcorp Genetics (formerly Invitae), Labcorp
Classification: Uncertain significance for Senior-Loken syndrome 8; Asphyxiating thoracic dystrophy 5. Last evaluated: 2025-01-15. Review status: criteria provided, single submitter. Criteria: Invitae Variant Classification Sherloc (09022015). Collection method: clinical testing. Allele origin: germline.
Comment: This sequence change replaces isoleucine, which is neutral and non-polar, with methionine, which is neutral and non-polar, at codon 1158 of the WDR19 protein (p.Ile1158Met). This variant is present in population databases (rs760312911, gnomAD 0.009%). This variant has not been reported in the literature in individuals affected with WDR19-related conditions. ClinVar contains an entry for this variant (Variation ID: 934180). Invitae Evidence Modeling of protein sequence and biophysical properties (such as structural, functional, and spatial information, amino acid conservation, physicochemical variation, residue mobility, and thermodynamic stability) indicates that this missense variant is not expected to disrupt WDR19 protein function with a negative predictive value of 80%. In summary, the available evidence is currently insufficient to determine the role of this variant in disease. Therefore, it has been classified as a Variant of Uncertain Significance.

Fulgent Genetics
Classification: Uncertain significance for Asphyxiating thoracic dystrophy 5; Nephronophthisis 13; Cranioectodermal dysplasia 4; Senior-Loken syndrome 8; Spermatogenic failure 72. Last evaluated: 2024-05-28. Review status: criteria provided, single submitter. Criteria: ACMG Guidelines, 2015. Collection method: clinical testing. Allele origin: germline.

Blueprint Genetics
Classification: Uncertain significance. Last evaluated: 2022-07-18. Review status: criteria provided, single submitter. Criteria: ACMG Guidelines, 2015. Collection method: clinical testing. Allele origin: germline.